The following is an entry in ClinVar:

NM_005045.4(RELN):c.3552_3553delinsTA (p.Glu1185Lys)

Gene: RELN (reelin; minus strand). Cytogenetic location: 7q22.1.
Variant type: Indel.
Coding change: c.3552_3553delinsTA on transcript NM_005045.4 (MANE Select); coding-DNA positions 3552 to 3553, GG replaced by TA.
Protein change: p.Glu1185Lys; replaces glutamic acid 1185 with lysine.
Molecular consequence: missense variant.
Genome position (GRCh38, 1-based): chr7:103,594,479-103,594,480, CC replaced by TA on the plus strand (GG replaced by TA on the coding strand, the reverse complement: RELN is on the minus strand). VCF-style: chr7-103594479-CC-TA. GRCh37 (hg19) VCF-style: chr7-103234926-CC-TA.
Other names: c.3552_3553delinsTA, p.Glu1185Lys (NM_173054.3); short protein forms E1185K.
Identifiers: ClinVar variation 1016544 (VCV001016544.7), dbSNP rs1831492761, ClinGen allele CA1730803629.
Genomic context (GRCh38, chr7:103,594,479, plus strand): 5'-AGAACACGGGCTGCCACCAGCGGAACCTGGTGCAAGGGGTCTTGGCAGCAGCTGGAAGCT[CC>TA]AGATAGACAAATCTGAATAAAAGTAAATCATTTACGGTTGGGAAAACAAAAGCTGTGCTT-3'
Protein context (NP_005036.2, residues 1175-1195): DFSKPRFVYL[Glu1185Lys]LPAAAKTPCT

ClinVar aggregate classification (germline): Uncertain significance (1 of 4 stars; one submission).

Conditions:
Familial temporal lobe epilepsy 7. Identifiers: Orphanet 101046, MedGen C4225327, MONDO:0014639, OMIM 616436.
Norman-Roberts syndrome (LIS2). Also called: Lissencephaly 2 (Norman-Roberts type). Identifiers: Orphanet 89844, MedGen C0796089, MONDO:0009760, OMIM 257320.

Submission:

Labcorp Genetics (formerly Invitae), Labcorp
Classification: Uncertain significance for Familial temporal lobe epilepsy 7; Norman-Roberts syndrome. Last evaluated: 2020-10-29. Review status: criteria provided, single submitter. Criteria: Invitae Variant Classification Sherloc (09022015). Collection method: clinical testing. Allele origin: germline.
Comment: In summary, the available evidence is currently insufficient to determine the role of this variant in disease. Therefore, it has been classified as a Variant of Uncertain Significance. Experimental studies and prediction algorithms are not available or were not evaluated, and the functional significance of this variant is currently unknown. This variant has not been reported in the literature in individuals with RELN-related conditions. This variant is not present in population databases (ExAC no frequency). This sequence change replaces glutamic acid with lysine at codon 1185 of the RELN protein (p.Glu1185Lys). The glutamic acid residue is highly conserved and there is a small physicochemical difference between glutamic acid and lysine.